The following is an entry in ClinVar:

ClinVar aggregate classification (germline): Pathogenic (1 of 4 stars; one submission).

Conditions:
Mitochondrial trifunctional protein deficiency. Identifiers: Orphanet 746, MedGen C1969443, MONDO:0012172.

Submission:

Vockley Lab, University of Pittsburgh
Classification: Pathogenic for Mitochondrial trifunctional protein deficiency 1. Last evaluated: 2022-04-20. Review status: criteria provided, single submitter. Criteria: ACMG Guidelines, 2015. Collection method: research, in vitro. Allele origin: germline, not applicable. Inheritance: Autosomal recessive inheritance. Affected: yes. Observed: 1 compound heterozygote. Functional consequence: RNA degradation by nonsense-mediated decay.
Comment: It was found in a compound heterozygous state with the missense variant c.881C>G (p.P294R) in exon 10. In the patient description, the authors refer hypoglycemia, but not cardiomyopathy, skeletal myopathy, neuropathy or maternal HELLP syndrome.

Literature cited by the submitters: PubMed 12754706.

NM_000183.3(HADHB):c.693del (p.Ala232fs)

Gene: HADHB (hydroxyacyl-CoA dehydrogenase trifunctional multienzyme complex subunit beta; plus strand). Cytogenetic location: 2p23.3.
Variant type: Deletion.
Coding change: c.693del on transcript NM_000183.3 (MANE Select); coding-DNA position 693, one base deleted (C; older notation c.693delC).
Protein change: p.Ala232fs; shifts the reading frame from alanine 232.
Molecular consequence: frameshift variant.
Genome position (GRCh38, 1-based): chr2:26,279,197, C deleted; the last of 2 consecutive C bases (chr2:26,279,196-26,279,197); deleting either gives the same sequence. VCF-style (leftmost placement, unchanged base first): chr2-26279195-GC-G. GRCh37 (hg19) VCF-style: chr2-26502063-GC-G.
Other names: g.36028del; p.A232Lfs*20; c.648del, p.Ala217fs (NM_001281512.2); c.627del, p.Ala210fs (NM_001281513.2); short protein forms A210fs, A217fs, A232fs.
Identifiers: ClinVar variation 1695419 (VCV001695419.4), dbSNP rs2147825515, ClinGen allele CA658795174.